The following is an entry in ClinVar:

ClinVar aggregate classification (germline): Uncertain significance (1 of 4 stars; one submission).

Submission:

Women's Health and Genetics/Laboratory Corporation of America, LabCorp
Classification: Uncertain significance. Last evaluated: 2026-01-21. Review status: criteria provided, single submitter. Criteria: LabCorp Variant Classification Summary - May 2015. Collection method: clinical testing. Allele origin: germline.
Comment: Variant summary: PRKDC c.10700T>G (p.Ile3567Ser) results in a non-conservative amino acid change in the encoded protein sequence. Algorithms developed to predict the effect of missense changes on protein structure and function are either unavailable or do not agree on the potential impact of this missense change. The variant was absent in 243122 control chromosomes. The available data on variant occurrences in the general population are insufficient to allow any conclusion about variant significance. To our knowledge, no occurrence of c.10700T>G in individuals affected with PRKDC-related conditions and no experimental evidence demonstrating its impact on protein function have been reported. No submitters have cited clinical-significance assessments for this variant to ClinVar. Based on the evidence outlined above, the variant was classified as uncertain significance.

NM_006904.7(PRKDC):c.10700T>G (p.Val3567Gly)

Gene: PRKDC (protein kinase, DNA-activated, catalytic subunit; minus strand). Cytogenetic location: 8q11.21.
Variant type: single nucleotide variant.
Coding change: c.10700T>G on transcript NM_006904.7 (MANE Select); coding-DNA position 10700, T replaced by G.
Protein change: p.Val3567Gly; replaces valine 3567 with glycine.
Molecular consequence: missense variant.
Genome position (GRCh38, 1-based): chr8:47,789,209, A>C on the plus strand (T>G on the coding strand, the complement: PRKDC is on the minus strand). VCF-style: chr8-47789209-A-C. GRCh37 (hg19) VCF-style: chr8-48701770-A-C.
Other names: c.10700T>G, p.Val3567Gly (NM_001081640.2); short protein forms V3567G.
Identifiers: ClinVar variation 4689174 (VCV004689174.1).